The following is an entry in ClinVar:

ClinVar aggregate classification (germline): Uncertain significance (1 of 4 stars; one submission).

Submission:

Greenwood Genetic Center Diagnostic Laboratories, Greenwood Genetic Center
Classification: Uncertain significance. Last evaluated: 2024-05-08. Review status: criteria provided, single submitter. Criteria: ACMG Guidelines, 2015. Collection method: clinical testing. Allele origin: germline. Affected: yes.
Comment: Gene of Uncertain Significance

NM_001281775.3(ZMYND8):c.1198G>C (p.Asp400His)

Gene: ZMYND8 (zinc finger MYND-type containing 8; minus strand). Cytogenetic location: 20q13.12.
Variant type: single nucleotide variant.
Coding change: c.1198G>C on transcript NM_001281775.3 (MANE Select); coding-DNA position 1198, G replaced by C.
Protein change: p.Asp400His; replaces aspartic acid 400 with histidine.
Molecular consequence: missense variant.
Genome position (GRCh38, 1-based): chr20:47,276,596, C>G on the plus strand (G>C on the coding strand, the complement: ZMYND8 is on the minus strand). VCF-style: chr20-47276596-C-G. GRCh37 (hg19) VCF-style: chr20-45905340-C-G.
Other names: c.1123G>C, p.Asp375His (NM_001281771.3, NM_001281777.3, NM_001281778.3 and 4 more transcripts); c.1138G>C, p.Asp380His (NM_001281772.3, NM_001281773.3, NM_001281774.3 and 1 more transcripts); c.1198G>C, p.Asp400His (NM_001281776.3, NM_001281783.3, NM_012408.6 and 1 more transcripts); c.394G>C, p.Asp132His (NM_001281779.3, NM_001281780.3); c.1219G>C, p.Asp407His (NM_001363714.1); short protein forms D132H, D375H, D380H, D400H, D407H.
Identifiers: ClinVar variation 3338494 (VCV003338494.1).